The following is an entry in ClinVar:

ClinVar aggregate classification (germline): Uncertain significance (1 of 4 stars; one submission).

Conditions:
Hereditary cancer-predisposing syndrome. Also called: Neoplastic Syndromes, Hereditary; Tumor predisposition; Hereditary Cancer Syndrome; Hereditary neoplastic syndrome. Identifiers: Orphanet 140162, MedGen C0027672, MeSH D009386, MONDO:0015356.

Submission:

Ambry Genetics
Classification: Uncertain significance for Hereditary cancer-predisposing syndrome. Last evaluated: 2019-01-30. Review status: criteria provided, single submitter. Criteria: Ambry Variant Classification Scheme 2023. Collection method: clinical testing. Allele origin: germline.
Comment: The p.L823P variant (also known as c.2468T>C), located in coding exon 5 of the PALB2 gene, results from a T to C substitution at nucleotide position 2468. The leucine at codon 823 is replaced by proline, an amino acid with similar properties. This amino acid position is well conserved in available vertebrate species. In addition, this alteration is predicted to be tolerated by in silico analysis. Since supporting evidence is limited at this time, the clinical significance of this alteration remains unclear.

NM_024675.4(PALB2):c.2468T>C (p.Leu823Pro)

Gene: PALB2 (partner and localizer of BRCA2; minus strand). Cytogenetic location: 16p12.2.
Variant type: single nucleotide variant.
Coding change: c.2468T>C on transcript NM_024675.4 (MANE Select); coding-DNA position 2468, T replaced by C.
Protein change: p.Leu823Pro; replaces leucine 823 with proline.
Molecular consequence: missense variant.
Genome position (GRCh38, 1-based): chr16:23,629,686, A>G on the plus strand (T>C on the coding strand, the complement: PALB2 is on the minus strand). VCF-style: chr16-23629686-A-G. GRCh37 (hg19) VCF-style: chr16-23641007-A-G.
Other names: short protein forms L823P.
Identifiers: ClinVar variation 821238 (VCV000821238.4), dbSNP rs1034192699, ClinGen allele CA279492002.
Genomic context (GRCh38, chr16:23,629,686, plus strand): 5'-GAAATGGATTGTACCTGTTCGACGGAATGTTTATGCAGCTCCTGGCATGTGTTTCTACAG[A>G]GCTGATTTTCTTTAAAAGTGAATGACTCAATGGGTGGAGGTGTTCCTGGCGGGACAGAGT-3'
Protein context (NP_078951.2, residues 813-833): IESFTFKENQ[Leu823Pro]CRNTCQELHK